The following is an entry in ClinVar:

ClinVar aggregate classification (germline): Uncertain significance (1 of 4 stars; one submission).

Submission:

Greenwood Genetic Center Diagnostic Laboratories, Greenwood Genetic Center
Classification: Uncertain significance. Last evaluated: 2025-11-11. Review status: criteria provided, single submitter. Criteria: ACMG Guidelines, 2015. Collection method: clinical testing. Allele origin: germline. Affected: yes.
Comment: Gene of Uncertain Significance

NM_001370461.1(GLB1L2):c.1208T>C (p.Leu403Pro)

Gene: GLB1L2 (galactosidase beta 1 like 2; plus strand). Cytogenetic location: 11q25.
Variant type: single nucleotide variant.
Coding change: c.1208T>C on transcript NM_001370461.1 (MANE Select); coding-DNA position 1208, T replaced by C.
Protein change: p.Leu403Pro; replaces leucine 403 with proline.
Molecular consequence: missense variant.
Genome position (GRCh38, 1-based): chr11:134,370,392, T>C. VCF-style: chr11-134370392-T-C. GRCh37 (hg19) VCF-style: chr11-134240286-T-C.
Other names: c.1370T>C, p.Leu457Pro (NM_001370460.1); c.1208T>C, p.Leu403Pro (NM_138342.4); short protein forms L403P, L457P.
Identifiers: ClinVar variation 4845453 (VCV004845453.1).